The following is an entry in ClinVar:

ClinVar aggregate classification (germline): Uncertain significance. Review status: criteria provided, multiple submitters, no conflicts (2 of 4 stars). 2 submissions from 2 submitters: Uncertain significance (2). Last evaluated 2023-03-29.

Conditions:
Inborn genetic diseases. Identifiers: MedGen C0950123, MeSH D030342.

Allele frequency attached by ClinVar (database versions not stated): gnomAD exomes below 0.00001; gnomAD 0.00002; TOPMed 0.00002.
gnomAD v4.1: 4 of 1,614,052 alleles (0.00025%); highest among the groups gnomAD compares: African/African-American, 0.004%; no homozygotes.

Submissions (2):

Ambry Genetics
Classification: Uncertain significance for Inborn genetic diseases. Last evaluated: 2023-03-29. Review status: criteria provided, single submitter. Criteria: Ambry Variant Classification Scheme 2023. Collection method: clinical testing. Allele origin: germline.

Labcorp Genetics (formerly Invitae), Labcorp
Classification: Uncertain significance. Last evaluated: 2022-05-17. Review status: criteria provided, single submitter. Criteria: Invitae Variant Classification Sherloc (09022015). Collection method: clinical testing. Allele origin: germline.
Comment: In summary, the available evidence is currently insufficient to determine the role of this variant in disease. Therefore, it has been classified as a Variant of Uncertain Significance. Algorithms developed to predict the effect of missense changes on protein structure and function (SIFT, PolyPhen-2, Align-GVGD) all suggest that this variant is likely to be tolerated. This variant has not been reported in the literature in individuals affected with TECTA-related conditions. This variant is not present in population databases (gnomAD no frequency). This sequence change replaces glutamic acid, which is acidic and polar, with aspartic acid, which is acidic and polar, at codon 663 of the TECTA protein (p.Glu663Asp).

NM_005422.4(TECTA):c.1989G>T (p.Glu663Asp)

Genes: TBCEL-TECTA (TBCEL-TECTA readthrough; plus strand), TECTA (tectorin alpha; plus strand). Cytogenetic location: 11q23.3.
Variant type: single nucleotide variant.
Coding change: c.1989G>T on transcript NM_005422.4 (MANE Select); coding-DNA position 1989, G replaced by T.
Protein change: p.Glu663Asp; replaces glutamic acid 663 with aspartic acid.
Molecular consequence: missense variant.
Genome position (GRCh38, 1-based): chr11:121,127,966, G>T. VCF-style: chr11-121127966-G-T. GRCh37 (hg19) VCF-style: chr11-120998675-G-T.
Other names: c.2946G>T, p.Glu982Asp (NM_001378761.1); short protein forms E663D, E982D.
Identifiers: ClinVar variation 1972167 (VCV001972167.7), dbSNP rs1377821298, ClinGen allele CA383013923.
Genomic context (GRCh38, chr11:121,127,966, plus strand): 5'-GTGCGTCCCTCTGCACAAGTGCGGCTGCGACTTCGACGGCCACTACTACACCATGGGGGA[G>T]TTCTTCTGGGCCACGGCCAACTGCACTGTGCAATGCCTGTGCGAGGAGGGCGGGGACGTC-3'
Protein context (NP_005413.2, residues 653-673): DFDGHYYTMG[Glu663Asp]FFWATANCTV